The following is an entry in ClinVar:

ClinVar aggregate classification (germline): Likely benign (1 of 4 stars; one submission).

Submission:

GeneDx
Classification: Likely benign. Last evaluated: 2016-08-09. Review status: criteria provided, single submitter. Criteria: GeneDx Variant Classification (06012015). Collection method: clinical testing. Allele origin: germline. Affected: yes.
Comment: This variant is considered likely benign or benign based on one or more of the following criteria: it is a conservative change, it occurs at a poorly conserved position in the protein, it is predicted to be benign by multiple in silico algorithms, and/or has population frequency not consistent with disease.

NM_152594.3(SPRED1):c.636A>C (p.Val212=)

Gene: SPRED1 (sprouty related EVH1 domain containing 1; plus strand). Cytogenetic location: 15q14.
Variant type: single nucleotide variant.
Coding change: c.636A>C on transcript NM_152594.3 (MANE Select); coding-DNA position 636, A replaced by C.
Protein change: p.Val212=; no amino-acid change (valine 212 retained).
Molecular consequence: synonymous variant.
Genome position (GRCh38, 1-based): chr15:38,349,475, A>C. VCF-style: chr15-38349475-A-C. GRCh37 (hg19) VCF-style: chr15-38641676-A-C.
Identifiers: ClinVar variation 388517 (VCV000388517.1), dbSNP rs1057523137, ClinGen allele CA16606923.
Genomic context (GRCh38, chr15:38,349,475, plus strand): 5'-ATTTTAGATAACATTTGGTCAGCCAGGCTTGGACATTCAGAGCAGAAGTATGGAATACGT[A>C]CAGCGGCAAATATCCAAGGAATGTGGAAGCCTAAAGTCCCAAAATAGGGTAAGTAATGTT-3'
Protein context (NP_689807.1, residues 202-222): LDIQSRSMEY[Val212=]QRQISKECGS